The following is an entry in ClinVar:

NM_016065.4(MRPS16):c.29A>G (p.Lys10Arg)

Genes: DNAJC9-AS1 (DNAJC9 and MRPS16 antisense RNA 1; plus strand), MRPS16 (mitochondrial ribosomal protein S16; minus strand). Cytogenetic location: 10q22.2.
Variant type: single nucleotide variant.
Coding change: c.29A>G on transcript NM_016065.4 (MANE Select); coding-DNA position 29, A replaced by G.
Protein change: p.Lys10Arg; replaces lysine 10 with arginine.
Molecular consequence: missense variant.
Genome position (GRCh38, 1-based): chr10:73,252,008, T>C on the plus strand (A>G on the coding strand, the complement: MRPS16 is on the minus strand). VCF-style: chr10-73252008-T-C. GRCh37 (hg19) VCF-style: chr10-75011766-T-C.
Other names: c.29A>G, p.Lys10Arg (NM_001410935.1); short protein forms K10R.
Identifiers: ClinVar variation 3715146 (VCV003715146.2).
Genomic context (GRCh38, chr10:73,252,008, plus strand): 5'-GGCCGATTGGTGCAGCCACCCAGGGCAAGGCGGATGGTTAAGTGGCCCCCACGGTAGGCC[T>C]TGCAGAGGAGAGTAGCTGTAGAAAAGCAGCTGGTTAGGACACAAAAAACAGCACAAAAAG-3'
Protein context (NP_057149.1, residues 1-20): MVHLTTLLC[Lys10Arg]AYRGGHLTIR

ClinVar aggregate classification (germline): Uncertain significance (1 of 4 stars; one submission).

gnomAD v4.1: 6 of 1,613,778 alleles (0.00037%); highest among the groups gnomAD compares: Admixed American, 0.0083%; no homozygotes.

Submission:

Labcorp Genetics (formerly Invitae), Labcorp
Classification: Uncertain significance. Last evaluated: 2024-04-27. Review status: criteria provided, single submitter. Criteria: Invitae Variant Classification Sherloc (09022015). Collection method: clinical testing. Allele origin: germline.
Comment: This sequence change replaces lysine, which is basic and polar, with arginine, which is basic and polar, at codon 10 of the MRPS16 protein (p.Lys10Arg). This variant is present in population databases (no rsID available, gnomAD 0.006%). This variant has not been reported in the literature in individuals affected with MRPS16-related conditions. Algorithms developed to predict the effect of missense changes on protein structure and function output the following: SIFT: "Not Available"; PolyPhen-2: "Benign"; Align-GVGD: "Not Available". The arginine amino acid residue is found in multiple mammalian species, which suggests that this missense change does not adversely affect protein function. Algorithms developed to predict the effect of sequence changes on RNA splicing suggest that this variant may disrupt the consensus splice site. In summary, the available evidence is currently insufficient to determine the role of this variant in disease. Therefore, it has been classified as a Variant of Uncertain Significance.